The following is an entry in ClinVar:

Conditions:
Breast-ovarian cancer, familial, susceptibility to, 1 (BROVCA1). Also called: BRCA1 Hereditary Breast and Ovarian Cancer; OVARIAN CANCER, SUSCEPTIBILITY TO. Identifiers: Orphanet 145, MedGen C2676676, MONDO:0011450, OMIM 604370. Disease mechanism: loss of function.

Submission:

Brotman Baty Institute, University of Washington
No classification provided (evidence only). Condition: Breast-ovarian cancer, familial 1. Review status: no classification provided. Collection method: in vitro. Allele origin: not applicable. Functional consequence: functionally_normal.
ClinVar note: "not provided" was previously submitted as the classification for the variant. However, the classification appeared to be based only on an observation of functional data so it was converted to no classification on 2025-07-30.

NM_007294.4(BRCA1):c.5384T>C (p.Leu1795Pro)

Gene: BRCA1 (BRCA1 DNA repair associated; minus strand). Cytogenetic location: 17q21.31.
Variant type: single nucleotide variant.
Coding change: c.5384T>C on transcript NM_007294.4 (MANE Select); coding-DNA position 5384, T replaced by C.
Protein change: p.Leu1795Pro; replaces leucine 1795 with proline.
Molecular consequence: missense variant. On other transcripts: non-coding transcript variant (1), intron variant (1).
Genome position (GRCh38, 1-based): chr17:43,049,143, A>G on the plus strand (T>C on the coding strand, the complement: BRCA1 is on the minus strand). VCF-style: chr17-43049143-A-G. GRCh37 (hg19) VCF-style: chr17-41201160-A-G.
Other names: c.5171T>C, p.Leu1724Pro (NM_001407571.1, NM_001407894.1, NM_001407895.1 and 12 more transcripts); c.5450T>C, p.Leu1817Pro (NM_001407581.1, NM_001407582.1); c.5447T>C, p.Leu1816Pro (NM_001407583.1, NM_001407585.1, NM_001407587.1 and 1 more transcripts); c.5444T>C, p.Leu1815Pro (NM_001407590.1, NM_001407591.1); c.5384T>C, p.Leu1795Pro (NM_001407593.1, NM_001407594.1, NM_001407596.1 and 5 more transcripts); c.5381T>C, p.Leu1794Pro (NM_001407613.1, NM_001407614.1, NM_001407615.1 and 14 more transcripts); c.5378T>C, p.Leu1793Pro (NM_001407632.1, NM_001407633.1, NM_001407634.1 and 13 more transcripts); c.5306T>C, p.Leu1769Pro (NM_001407654.1, NM_001407655.1, NM_001407652.1 and 1 more transcripts); and 73 more; short protein forms L1795P, L1816P, L691P, L1748P, L1682P, L1684P, L1705P, L1752P.
Identifiers: ClinVar variation 868041 (VCV000868041.3), dbSNP rs2051079713, ClinGen allele CA10590705.